The following is an entry in ClinVar:

NM_024422.6(DSC2):c.2636A>G (p.Asp879Gly)

Gene: DSC2 (desmocollin 2; minus strand). Cytogenetic location: 18q12.1.
Variant type: single nucleotide variant.
Coding change: c.2636A>G on transcript NM_024422.6 (MANE Select); coding-DNA position 2636, A replaced by G.
Protein change: p.Asp879Gly; replaces aspartic acid 879 with glycine.
Molecular consequence: missense variant. On other transcripts: 3 prime UTR variant (1).
Genome position (GRCh38, 1-based): chr18:31,068,085, T>C on the plus strand (A>G on the coding strand, the complement: DSC2 is on the minus strand). VCF-style: chr18-31068085-T-C. GRCh37 (hg19) VCF-style: chr18-28648051-T-C.
Other names: p.D879G:GAT>GGT; c.*138A>G (NM_004949.5); short protein forms D879G.
Identifiers: ClinVar variation 199775 (VCV000199775.32), dbSNP rs143342988, ClinGen allele CA022466.
Genomic context (GRCh38, chr18:31,068,085, plus strand): 5'-ATGCATGCTTCTGCTAGTGTCCTAAATTTGGGCTCCAAATTATCCAAAAATTCAAGCCCA[T>C]CTTCTTCTTGTCGTTCACTGCAACAACCTACAGACCCAGCCACCGATCCTCTTCCTTCAT-3'
Protein context (NP_077740.1, residues 869-889): VGCCSERQEE[Asp879Gly]GLEFLDNLEP

ClinVar aggregate classification (germline): Benign/Likely benign. Review status: criteria provided, multiple submitters, no conflicts (2 of 4 stars). 13 submissions from 13 submitters: Benign (2); Likely benign (7). 4 of the submissions do not count toward it. Last evaluated 2026-01-19.

Conditions:
DSC2-related disorder. Also called: DSC2-related condition.
Cardiovascular phenotype. Identifiers: MedGen CN230736.
Familial isolated arrhythmogenic right ventricular dysplasia. Identifiers: Orphanet 217656, MedGen C4274968, MONDO:0016342.
Cardiomyopathy (CMYO). Also called: Cardiomyopathies. Identifiers: Orphanet 167848, MedGen C0878544, MONDO:0004994, HP:0001638. Inheritance: Various modes of inheritance.
Arrhythmogenic right ventricular dysplasia 11. Also called: Arrhythmogenic Right Ventricular Dysplasia/Cardiomyopathy11; Arrhythmogenic right ventricular dysplasia 11 with mild palmoplantar keratoderma and woolly hair; ARRHYTHMOGENIC RIGHT VENTRICULAR DYSPLASIA, FAMILIAL, 11. Identifiers: MedGen C1864850, MONDO:0012506, OMIM 610476.

Allele frequency attached by ClinVar (database versions not stated): gnomAD exomes 0.00005 and 0.00022; ExAC 0.00031; gnomAD 0.00079 and 0.00083; TOPMed 0.00082; ESP Exome Variant Server 0.00085; 1000 Genomes Project 0.00200; 1000 Genomes Project 30x 0.00297.
gnomAD v4.1: 200 of 1,614,018 alleles (0.012%); highest among the groups gnomAD compares: African/African-American, 0.23%; no homozygotes.

Submissions (13):

Labcorp Genetics (formerly Invitae), Labcorp
Classification: Likely benign for Arrhythmogenic right ventricular dysplasia 11. Last evaluated: 2026-01-19. Review status: criteria provided, single submitter. Criteria: Invitae Variant Classification Sherloc (09022015). Collection method: clinical testing. Allele origin: germline.

Molecular Diagnostic Laboratory for Inherited Cardiovascular Disease, Montreal Heart Institute
Classification: Benign. Last evaluated: 2025-04-09. Review status: criteria provided, single submitter. Criteria: ACMG Guidelines, 2015. Collection method: clinical testing. Allele origin: germline. Affected: no.
Comment: BS1, BS2

All of Us Research Program, National Institutes of Health
Classification: Likely benign for Familial isolated arrhythmogenic right ventricular dysplasia. Last evaluated: 2024-09-23. Review status: criteria provided, single submitter. Criteria: ACMG Guidelines, 2015. Collection method: clinical testing. Allele origin: germline. Inheritance: Autosomal dominant inheritance. Observed: 55 variant alleles, 55 heterozygotes.
Comment: This study involves interpretation of variants in research participants for the purpose of population health screening. Participant phenotype was not available at the time of variant classification. Additional details can be found in publication PMID: 35346344, PMCID: PMC8962531

Blueprint Genetics
Classification: Likely benign. Last evaluated: 2024-07-01. Review status: criteria provided, single submitter. Criteria: ACMG Guidelines, 2015. Collection method: clinical testing. Allele origin: germline.

Women's Health and Genetics/Laboratory Corporation of America, LabCorp
Classification: Benign. Last evaluated: 2021-03-25. Review status: criteria provided, single submitter. Criteria: LabCorp Variant Classification Summary - May 2015. Collection method: clinical testing. Allele origin: germline.
Comment: Variant summary: DSC2 c.2636A>G (p.Asp879Gly) results in a non-conservative amino acid change located in the Cadherin, cytoplasmic domain (IPR000233) of the encoded protein sequence. Five of five in-silico tools predict a damaging effect of the variant on protein function. The variant allele was found at a frequency of 0.00022 in 252158 control chromosomes. The observed variant frequency is approximately 22 fold of the estimated maximal expected allele frequency for a pathogenic variant in DSC2 causing Arrhythmia phenotype (1e-05), strongly suggesting that the variant is benign. To our knowledge, no occurrence of c.2636A>G in individuals affected with Arrhythmia and no experimental evidence demonstrating its impact on protein function have been reported. Five clinical diagnostic laboratories have submitted clinical-significance assessments for this variant to ClinVar after 2014 without evidence for independent evaluation and a majority consensus of likely benign (n=4). Based on the evidence outlined above, the variant was classified as benign.

GeneDx
Classification: Likely benign. Last evaluated: 2020-12-16. Review status: criteria provided, single submitter. Criteria: GeneDx Variant Classification Process June 2021. Collection method: clinical testing. Allele origin: germline. Affected: yes.
Comment: This variant is associated with the following publications: (PMID: 21636032, 25516398, 29802319)

Ambry Genetics
Classification: Likely benign for Cardiovascular phenotype. Last evaluated: 2019-01-21. Review status: criteria provided, single submitter. Criteria: Ambry Variant Classification Scheme 2023. Collection method: clinical testing. Allele origin: germline.

Color Diagnostics, LLC DBA Color Health
Classification: Likely benign for Cardiomyopathy. Last evaluated: 2018-12-02. Review status: criteria provided, single submitter. Criteria: ACMG Guidelines, 2015. Collection method: clinical testing. Allele origin: germline.

Laboratory for Molecular Medicine, Mass General Brigham Personalized Medicine
Classification: Likely benign. Last evaluated: 2015-05-16. Review status: criteria provided, single submitter. Criteria: LMM Criteria. Collection method: clinical testing. Allele origin: germline. Observed: 1 variant allele.
Comment: p.Asp879Gly in exon 16 of DSC2: This variant is not expected to have clinical si gnificance because it has been identified in 0.3% (35/10398) of African chromoso mes by the Exome Aggregation Consortium (ExAC; d bSNP rs143342988).

PreventionGenetics, part of Exact Sciences
Classification: Likely benign for DSC2-related condition. Last evaluated: 2023-05-21. Review status: no assertion criteria provided. Collection method: clinical testing. Allele origin: germline. Not counted in ClinVar's aggregate classification.
Comment: This variant is classified as likely benign based on ACMG/AMP sequence variant interpretation guidelines (Richards et al. 2015 PMID: 25741868, with internal and published modifications).

Clinical Genetics DNA and cytogenetics Diagnostics Lab, Erasmus MC, Erasmus Medical Center
Classification: Likely benign. Review status: no assertion criteria provided. Collection method: clinical testing. Allele origin: germline. Affected: yes. Study: VKGL Data-share Consensus. Not counted in ClinVar's aggregate classification.

Clinical Genetics, Academic Medical Center
Classification: Benign. Review status: no assertion criteria provided. Collection method: clinical testing. Allele origin: germline. Affected: yes. Study: VKGL Data-share Consensus. Not counted in ClinVar's aggregate classification.

Genome Diagnostics Laboratory, University Medical Center Utrecht
Classification: Likely benign. Review status: no assertion criteria provided. Collection method: clinical testing. Allele origin: germline. Affected: yes. Study: VKGL Data-share Consensus. Not counted in ClinVar's aggregate classification.

Literature cited by the submitters: PubMed 21636032 (cited by 3 submitters); PubMed 25516398 (cited by Ambry Genetics).